The following is an entry in ClinVar:

ClinVar aggregate classification (germline): Likely pathogenic (1 of 4 stars; one submission).

Submission:

Centre of Medical Genetics, University Hospital Muenster
Classification: Likely pathogenic. Last evaluated: 2023-04-11. Review status: criteria provided, single submitter. Criteria: ACMG Guidelines, 2015. Collection method: clinical testing. Allele origin: de novo. Affected: yes. Observed: 1 variant allele, 1 heterozygote.
Comment: ACMG categories: PS2,PM2,PP3

NM_017654.4(SAMD9):c.2195T>G (p.Ile732Ser)

Gene: SAMD9 (sterile alpha motif domain containing 9; minus strand). Cytogenetic location: 7q21.2.
Variant type: single nucleotide variant.
Coding change: c.2195T>G on transcript NM_017654.4 (MANE Select); coding-DNA position 2195, T replaced by G.
Protein change: p.Ile732Ser; replaces isoleucine 732 with serine.
Molecular consequence: missense variant.
Genome position (GRCh38, 1-based): chr7:93,103,903, A>C on the plus strand (T>G on the coding strand, the complement: SAMD9 is on the minus strand). VCF-style: chr7-93103903-A-C. GRCh37 (hg19) VCF-style: chr7-92733216-A-C.
Other names: c.2195T>G, p.Ile732Ser (NM_001193307.2); short protein forms I732S.
Identifiers: ClinVar variation 2504158 (VCV002504158.2), dbSNP rs2535358833, ClinGen allele CA368192269.
Genomic context (GRCh38, chr7:93,103,903, plus strand): 5'-CAGAGAATGTGCATAGCCAAGGTAGTTCCCCCACAGCCTGGATGATGATACAGATGAATA[A>C]TTTTGGTACTTGTTGGTTTAGAAGAATCTGCACAGTTTTGAATCATTGCTTCAAGTCTTT-3'
Protein context (NP_060124.2, residues 722-742): ADSSKPTSTK[Ile732Ser]IHLYHHPGCG